The following is an entry in ClinVar:

NM_003482.4(KMT2D):c.67T>G (p.Ser23Ala)

Gene: KMT2D (lysine methyltransferase 2D; minus strand). Cytogenetic location: 12q13.12.
Variant type: single nucleotide variant.
Coding change: c.67T>G on transcript NM_003482.4 (MANE Select); coding-DNA position 67, T replaced by G.
Protein change: p.Ser23Ala; replaces serine 23 with alanine.
Molecular consequence: missense variant.
Genome position (GRCh38, 1-based): chr12:49,055,009, A>C on the plus strand (T>G on the coding strand, the complement: KMT2D is on the minus strand). VCF-style: chr12-49055009-A-C. GRCh37 (hg19) VCF-style: chr12-49448792-A-C.
Other names: short protein forms S23A.
Identifiers: ClinVar variation 2179282 (VCV002179282.6), dbSNP rs779539520, ClinGen allele CA6548800.

ClinVar aggregate classification (germline): Benign. Review status: criteria provided, single submitter (1 of 4 stars). 2 submissions from 2 submitters: Benign (1). 1 of the submissions does not count toward it. Last evaluated 2024-09-09.

Conditions:
KMT2D-related disorder. Also called: KMT2D-Related Disorders.
Kabuki syndrome. Also called: NIIKAWA-KUROKI SYNDROME; Kabuki make-up syndrome. Identifiers: Orphanet 2322, MedGen C0796004, MONDO:0016512.

Allele frequency attached by ClinVar (database versions not stated): gnomAD 0.00002; gnomAD exomes 0.00002; TOPMed 0.00004; ExAC 0.00010.

Submissions (2):

Labcorp Genetics (formerly Invitae), Labcorp
Classification: Benign for Kabuki syndrome. Last evaluated: 2024-09-09. Review status: criteria provided, single submitter. Criteria: Invitae Variant Classification Sherloc (09022015). Collection method: clinical testing. Allele origin: germline.

PreventionGenetics, part of Exact Sciences
Classification: Likely benign for KMT2D-related condition. Last evaluated: 2023-12-27. Review status: no assertion criteria provided. Collection method: clinical testing. Allele origin: germline. Not counted in ClinVar's aggregate classification.
Comment: This variant is classified as likely benign based on ACMG/AMP sequence variant interpretation guidelines (Richards et al. 2015 PMID: 25741868, with internal and published modifications).